The following is an entry in ClinVar:

NM_007194.4(CHEK2):c.1052del (p.Glu351fs)

Gene: CHEK2 (checkpoint kinase 2; minus strand). Cytogenetic location: 22q12.1.
Variant type: Deletion.
Coding change: c.1052del on transcript NM_007194.4 (MANE Select); coding-DNA position 1052, one base deleted (A; older notation c.1052delA).
Protein change: p.Glu351fs; shifts the reading frame from glutamic acid 351.
Molecular consequence: frameshift variant. On other transcripts: intron variant (3).
Genome position (GRCh38, 1-based): chr22:28,696,944, T deleted on the plus strand (A on the coding strand, the reverse complement: CHEK2 is on the minus strand). VCF-style (leftmost placement, unchanged base first): chr22-28696943-CT-C. GRCh37 (hg19) VCF-style: chr22-29092931-CT-C.
Other names: c.1181del, p.Glu394fs (NM_001005735.3); c.389del, p.Glu130fs (NM_001257387.3, NM_001437942.1); c.851del, p.Glu284fs (NM_001349956.3); c.1145del, p.Glu382fs (NM_001438293.1); c.1009-1071del (NM_145862.3); c.1102-1071del (NM_001438295.1); c.1138-1071del (NM_001438294.1); short protein forms E130fs, E284fs, E351fs, E394fs, E382fs.
Identifiers: ClinVar variation 2583316 (VCV002583316.2), dbSNP rs2517821663, ClinGen allele CA2582342809.

ClinVar aggregate classification (germline): Pathogenic (1 of 4 stars; one submission).

Conditions:
Familial cancer of breast. Also called: Hereditary breast cancer; BREAST CANCER, FAMILIAL; hereditary breast carcinoma. Identifiers: Orphanet 227535, MedGen C0346153, MONDO:0016419, OMIM 114480. Disease mechanism: loss of function.

Submission:

Myriad Genetics, Inc.
Classification: Pathogenic for Familial cancer of breast. Last evaluated: 2023-06-27. Review status: criteria provided, single submitter. Criteria: Myriad Autosomal Dominant, Autosomal Recessive and X-Linked Classification Criteria (2023). Collection method: clinical testing. Allele origin: unknown.
Comment: This variant is considered pathogenic. This variant creates a frameshift predicted to result in premature protein truncation.